The following is an entry in ClinVar:

NM_000051.4(ATM):c.8530_8532dup (p.Ile2844_Trp2845insIle)

Genes: ATM (ATM serine/threonine kinase; plus strand), C11orf65 (chromosome 11 open reading frame 65; minus strand). Cytogenetic location: 11q22.3.
Variant type: Duplication.
Coding change: c.8530_8532dup on transcript NM_000051.4 (MANE Select); coding-DNA positions 8530 to 8532, 3 bases duplicated (ATT; older notation c.8530_8532dupATT).
Protein change: p.Ile2844_Trp2845insIle.
Molecular consequence: inframe insertion. On other transcripts: inframe indel (1), intron variant (2).
Genome position (GRCh38, 1-based): chr11:108,345,854-108,345,856, ATT duplicated; duplicating any 3 consecutive bases within chr11:108,345,853-108,345,856 gives the same sequence; the c. name uses the placement nearest the transcript's 3' end. VCF-style (leftmost placement, unchanged base first): chr11-108345852-C-CTAT. GRCh37 (hg19) VCF-style: chr11-108216579-C-CTAT.
Other names: c.8530_8532dupATT (NM_000051.3); c.8530_8532dup, p.Ile2844_Trp2845insIle (NM_001351834.2); c.641-36784_641-36782dup (NM_001330368.2); c.695-10563_695-10561dup (NM_001351110.2).
Identifiers: ClinVar variation 419361 (VCV000419361.13), dbSNP rs1555138275, ClinGen allele CA16619260.

ClinVar aggregate classification (germline): Uncertain significance. Review status: criteria provided, multiple submitters, no conflicts (2 of 4 stars). 3 submissions from 3 submitters: Uncertain significance (3). Last evaluated 2024-04-10.

Conditions:
Hereditary cancer-predisposing syndrome. Also called: Neoplastic Syndromes, Hereditary; Hereditary Cancer Syndrome; Tumor predisposition; Hereditary neoplastic syndrome. Identifiers: Orphanet 140162, MedGen C0027672, MeSH D009386, MONDO:0015356.
Ataxia-telangiectasia syndrome (AT). Also called: LOUIS-BAR SYNDROME; Cerebello-oculocutaneous telangiectasia; Immunodeficiency with ataxia telangiectasia; Ataxia-telangiectasia, complementation group D; AT, COMPLEMENTATION GROUP C; Ataxia-telangiectasia, complementation group E. Identifiers: Orphanet 100, MedGen C0004135, MONDO:0008840, OMIM 208900.

Submissions (3):

Labcorp Genetics (formerly Invitae), Labcorp
Classification: Uncertain significance for Ataxia-telangiectasia syndrome. Last evaluated: 2024-04-10. Review status: criteria provided, single submitter. Criteria: Invitae Variant Classification Sherloc (09022015). Collection method: clinical testing. Allele origin: germline.
Comment: This variant, c.8530_8532dup, results in the insertion of 1 amino acid(s) of the ATM protein (p.Ile2844dup), but otherwise preserves the integrity of the reading frame. This variant is not present in population databases (gnomAD no frequency). This variant has not been reported in the literature in individuals affected with ATM-related conditions. ClinVar contains an entry for this variant (Variation ID: 419361). Experimental studies and prediction algorithms are not available or were not evaluated, and the functional significance of this variant is currently unknown. In summary, the available evidence is currently insufficient to determine the role of this variant in disease. Therefore, it has been classified as a Variant of Uncertain Significance.

Ambry Genetics
Classification: Uncertain significance for Hereditary cancer-predisposing syndrome. Last evaluated: 2022-04-08. Review status: criteria provided, single submitter. Criteria: Ambry Variant Classification Scheme 2023. Collection method: clinical testing. Allele origin: germline.
Comment: The c.8530_8532dupATT variant (also known as p.I2844dup), located in coding exon 57 of the ATM gene, results from an in-frame duplication of ATT at nucleotide positions 8530 to 8532. This results in the duplication of an extra isoleucine residue at codon 2844. This amino acid position is poorly conserved in available vertebrate species. In addition, this alteration is predicted to be deleterious by in silico analysis (Choi Y et al. PLoS ONE. 2012; 7(10):e46688). Since supporting evidence is limited at this time, the clinical significance of this alteration remains unclear.

GeneDx
Classification: Uncertain significance. Last evaluated: 2015-07-06. Review status: criteria provided, single submitter. Criteria: GeneDx Variant Classification (06012015). Collection method: clinical testing. Allele origin: germline. Affected: yes.
Comment: This duplication of three nucleotides in ATM is denoted c.8530_8532dupATT at the cDNA level and p.Ile2844dup (I2844dup) at the protein level. The normal sequence, with the bases that are duplicated in braces, is AGCT[ATT]TGGT. This in frame duplication of a single Isoleucine residue occurs at a position that is conserved by class across species and is located within the PI3K/PI4K kinase domain (Tavtigian 2009). This variant has not, to our knowledge, been published in the literature as pathogenic or benign. Since in frame duplications may or may not inhibit proper protein functioning, the clinical significance of this finding remains unclear at this time and we consider ATM Ile2844dup to be a variant of uncertain significance.